The following is an entry in ClinVar:

ClinVar aggregate classification (germline): Uncertain significance. Review status: criteria provided, multiple submitters, no conflicts (2 of 4 stars). 4 submissions from 4 submitters: Uncertain significance (4). Last evaluated 2024-04-03.

Conditions:
Hypogonadotropic hypogonadism 2 with or without anosmia (HH2). Also called: HYPOGONADOTROPIC HYPOGONADISM 2 WITH OR WITHOUT ANOSMIA, SUSCEPTIBILITY TO; HYPOGONADOTROPIC HYPOGONADISM 2 WITHOUT ANOSMIA, SUSCEPTIBILITY TO; HYPOGONADOTROPIC HYPOGONADISM 2 WITHOUT ANOSMIA; FGFR1-Related GnRH Deficiency (Kallmann Syndrome 2). Identifiers: Orphanet 478, MedGen C1563720, MONDO:0007844, OMIM 147950. Disease mechanism: loss of function.
Pfeiffer syndrome (ACS5). Also called: ACS V. Identifiers: Orphanet 710, MedGen C0220658, MONDO:0007043, OMIM 101600.
Inborn genetic diseases. Identifiers: MedGen C0950123, MeSH D030342.

Allele frequency attached by ClinVar (database versions not stated): gnomAD exomes below 0.00001 and 0.00001; gnomAD 0.00001; ExAC 0.00002; TOPMed 0.00002; ESP Exome Variant Server 0.00008.

Submissions (4):

Labcorp Genetics (formerly Invitae), Labcorp
Classification: Uncertain significance for Pfeiffer syndrome; Hypogonadotropic hypogonadism 2 with or without anosmia. Last evaluated: 2024-04-03. Review status: criteria provided, single submitter. Criteria: Invitae Variant Classification Sherloc (09022015). Collection method: clinical testing. Allele origin: germline.
Comment: This sequence change replaces proline, which is neutral and non-polar, with serine, which is neutral and polar, at codon 93 of the FGFR1 protein (p.Pro93Ser). This variant is present in population databases (rs372511659, gnomAD 0.001%). This variant has not been reported in the literature in individuals affected with FGFR1-related conditions. ClinVar contains an entry for this variant (Variation ID: 1315343). Advanced modeling of protein sequence and biophysical properties (such as structural, functional, and spatial information, amino acid conservation, physicochemical variation, residue mobility, and thermodynamic stability) has been performed at Invitae for this missense variant, however the output from this modeling did not meet the statistical confidence thresholds required to predict the impact of this variant on FGFR1 protein function. In summary, the available evidence is currently insufficient to determine the role of this variant in disease. Therefore, it has been classified as a Variant of Uncertain Significance.

Blueprint Genetics
Classification: Uncertain significance. Last evaluated: 2022-12-02. Review status: criteria provided, single submitter. Criteria: ACMG Guidelines, 2015. Collection method: clinical testing. Allele origin: germline.

Ambry Genetics
Classification: Uncertain significance for Inborn genetic diseases. Last evaluated: 2022-03-29. Review status: criteria provided, single submitter. Criteria: Ambry Variant Classification Scheme 2023. Collection method: clinical testing. Allele origin: germline.

GeneDx
Classification: Uncertain significance. Last evaluated: 2020-03-18. Review status: criteria provided, single submitter. Criteria: GeneDx Variant Classification Process June 2021. Collection method: clinical testing. Allele origin: germline. Affected: yes.
Comment: Not observed at a significant frequency in large population cohorts (Lek et al., 2016); In silico analysis supports that this missense variant has a deleterious effect on protein structure/function; Has not been previously published as pathogenic or benign to our knowledge

NM_023110.3(FGFR1):c.277C>T (p.Pro93Ser)

Gene: FGFR1 (fibroblast growth factor receptor 1; minus strand). Cytogenetic location: 8p11.23.
Variant type: single nucleotide variant.
Coding change: c.277C>T on transcript NM_023110.3 (MANE Select); coding-DNA position 277, C replaced by T.
Protein change: p.Pro93Ser; replaces proline 93 with serine.
Molecular consequence: missense variant. On other transcripts: intron variant (5).
Genome position (GRCh38, 1-based): chr8:38,429,763, G>A on the plus strand (C>T on the coding strand, the complement: FGFR1 is on the minus strand). VCF-style: chr8-38429763-G-A. GRCh37 (hg19) VCF-style: chr8-38287281-G-A.
Other names: c.277C>T, p.Pro93Ser (NM_001174063.2, NM_001174065.2, NM_001354367.2 and 2 more transcripts); c.253C>T, p.Pro85Ser (NM_001174064.2); c.376C>T, p.Pro126Ser (NM_001174067.2); c.92-1328C>T (NM_001354368.2, NM_001354370.2, NM_023106.3 and 2 more transcripts); short protein forms P126S, P85S, P93S.
Identifiers: ClinVar variation 1315343 (VCV001315343.6), dbSNP rs372511659, ClinGen allele CA4718830.